The following is an entry in ClinVar:

NM_003106.4(SOX2):c.59del (p.Gly20fs)

Genes: SOX2 (SRY-box transcription factor 2; plus strand), SOX2-OT (SOX2 overlapping transcript; plus strand), LOC108281177 (SOX2 5' regulatory region; plus strand). Cytogenetic location: 3q26.33.
Variant type: Deletion.
Coding change: c.59del on transcript NM_003106.4 (MANE Select); coding-DNA position 59, one base deleted (G; older notation c.59delG).
Protein change: p.Gly20fs; shifts the reading frame from glycine 20.
Molecular consequence: frameshift variant.
Genome position (GRCh38, 1-based): chr3:181,712,419, G deleted; the last of 6 consecutive G bases (chr3:181,712,414-181,712,419); deleting any one gives the same sequence. VCF-style (leftmost placement, unchanged base first): chr3-181712413-CG-C. GRCh37 (hg19) VCF-style: chr3-181430201-CG-C.
Other names: short protein forms G20fs.
Identifiers: ClinVar variation 986777 (VCV000986777.1), dbSNP rs398122803, ClinGen allele CA913102445.
Genomic context (GRCh38, chr3:181,712,413, plus strand): 5'-GCGCCCGCATGTACAACATGATGGAGACGGAGCTGAAGCCGCCGGGCCCGCAGCAAACTT[CG>C]GGGGGCGGCGGCGGCAACTCCACCGCGGCGGCGGCCGGCGGCAACCAGAAAAACAGCCCG-3'

ClinVar aggregate classification (germline): Pathogenic (0 of 4 stars; one submission).

Conditions:
Anophthalmia/microphthalmia-esophageal atresia syndrome (MCOPS3). Also called: MICROPHTHALMIA AND ESOPHAGEAL ATRESIA SYNDROME; AEG SYNDROME; SOX2 Disorder. Identifiers: Orphanet 77298, MedGen C1859773, MONDO:0008799, OMIM 206900.

Submission:

Anophthalmia/Microphthalmia Research Registry, Einstein Medical Center Philadelphia
Classification: Pathogenic for Anophthalmia/microphthalmia-esophageal atresia syndrome. Review status: no assertion criteria provided. Collection method: research. Allele origin: germline. Inheritance: Autosomal dominant inheritance. Affected: yes. Observed: 1 variant allele.